The following is an entry in ClinVar:

ClinVar aggregate classification (germline): Benign. Review status: criteria provided, multiple submitters, no conflicts (2 of 4 stars). 3 submissions from 3 submitters: Benign (3). Last evaluated 2025-09-02.

Conditions:
Hypermethioninemia with deficiency of S-adenosylhomocysteine hydrolase. Identifiers: Orphanet 88618, MedGen C3151058, MONDO:0013404, OMIM 613752.

Allele frequency attached by ClinVar (database versions not stated): gnomAD exomes 0.01017 and 0.02708; ExAC 0.03347; gnomAD 0.10686 and 0.11434; ESP Exome Variant Server 0.11825; TOPMed 0.12103; 1000 Genomes Project 0.12660; 1000 Genomes Project 30x 0.13554.
gnomAD v4.1: 31,827 of 1,613,752 alleles (2%); highest among the groups gnomAD compares: African/African-American, 37%; 5,507 homozygotes.

Submissions (3):

Labcorp Genetics (formerly Invitae), Labcorp
Classification: Benign for Hypermethioninemia with deficiency of S-adenosylhomocysteine hydrolase. Last evaluated: 2025-09-02. Review status: criteria provided, single submitter. Criteria: Invitae Variant Classification Sherloc (09022015). Collection method: clinical testing. Allele origin: germline.

GeneDx
Classification: Benign. Last evaluated: 2021-05-10. Review status: criteria provided, single submitter. Criteria: GeneDx Variant Classification Process June 2021. Collection method: clinical testing. Allele origin: germline. Affected: yes.
Comment: This variant is associated with the following publications: (PMID: 19619139)

Breakthrough Genomics
Classification: Benign. Review status: criteria provided, single submitter. Criteria: ACMG Guidelines, 2015. Collection method: not provided. Allele origin: germline. Inheritance: Autosomal recessive inheritance. Affected: yes.

NM_000687.4(AHCY):c.767-37C>G

Gene: AHCY (adenosylhomocysteinase; minus strand). Cytogenetic location: 20q11.22.
Variant type: single nucleotide variant.
Coding change: c.767-37C>G on transcript NM_000687.4 (MANE Select); 37 bases into the intron before coding-DNA position 767, C replaced by G.
Molecular consequence: intron variant.
Genome position (GRCh38, 1-based): chr20:34,290,675, G>C on the plus strand (C>G on the coding strand, the complement: AHCY is on the minus strand). VCF-style: chr20-34290675-G-C. GRCh37 (hg19) VCF-style: chr20-32878481-G-C.
Other names: c.683-37C>G (NM_001161766.2, NM_001322085.2, NM_001322084.2); c.767-37C>G (NM_001362750.2); c.773-37C>G (NM_001322086.2).
Identifiers: ClinVar variation 471683 (VCV000471683.12), dbSNP rs7271501, ClinGen allele CA9820899.